The following is an entry in ClinVar:

NM_005476.7(GNE):c.997dup (p.His333fs)

Gene: GNE (glucosamine (UDP-N-acetyl)-2-epimerase/N-acetylmannosamine kinase; minus strand). Cytogenetic location: 9p13.3.
Variant type: Duplication.
Coding change: c.997dup on transcript NM_005476.7 (MANE Select); coding-DNA position 997, one base duplicated (C; older notation c.997dupC).
Protein change: p.His333fs; shifts the reading frame from histidine 333.
Molecular consequence: frameshift variant.
Genome position (GRCh38, 1-based): chr9:36,229,094, G duplicated on the plus strand (C on the coding strand, the reverse complement: GNE is on the minus strand). VCF-style (leftmost placement, unchanged base first): chr9-36229093-T-TG. GRCh37 (hg19) VCF-style: chr9-36229090-T-TG.
Other names: c.1090dup, p.His364fs (NM_001128227.3); c.997dup, p.His333fs (NM_001190383.3); c.667dup, p.His223fs (NM_001190384.3); c.820dup, p.His274fs (NM_001190388.2, NM_001374798.1); c.844dup, p.His282fs (NM_001374797.1); short protein forms H223fs, H274fs, H282fs, H333fs, H364fs.
Identifiers: ClinVar variation 1413067 (VCV001413067.6), dbSNP rs2133049724, ClinGen allele CA2573144544.

ClinVar aggregate classification (germline): Pathogenic (1 of 4 stars; one submission).

Conditions:
GNE myopathy (NM). Also called: NONAKA DISTAL MYOPATHY; IBM 2; Inclusion body myopathy autosomal recessive; Inclusion body myopathy quadriceps sparing; INCLUSION BODY MYOPATHY, HEREDITARY, AUTOSOMAL RECESSIVE; INCLUSION BODY MYOPATHY 2, AUTOSOMAL RECESSIVE. Identifiers: Orphanet 602, MedGen C1853926, MONDO:0011603, OMIM 605820.
Sialuria. Also called: SIALURIA, FRENCH TYPE; Sialic Acid Storage Disease. Identifiers: Orphanet 3166, MedGen C0342853, MONDO:0010028, OMIM 269921.

Submission:

Labcorp Genetics (formerly Invitae), Labcorp
Classification: Pathogenic for Sialuria; GNE myopathy. Last evaluated: 2023-10-13. Review status: criteria provided, single submitter. Criteria: Invitae Variant Classification Sherloc (09022015). Collection method: clinical testing. Allele origin: germline.
Comment: This sequence change creates a premature translational stop signal (p.His364Profs*6) in the GNE gene. It is expected to result in an absent or disrupted protein product. Loss-of-function variants in GNE are known to be pathogenic (PMID: 24027297). This variant is not present in population databases (gnomAD no frequency). This variant has not been reported in the literature in individuals affected with GNE-related conditions. ClinVar contains an entry for this variant (Variation ID: 1413067). For these reasons, this variant has been classified as Pathogenic.

Literature cited by the submitters: PubMed 24027297.